The following is an entry in ClinVar:

NM_007294.4(BRCA1):c.2233G>T (p.Glu745Ter)

Gene: BRCA1 (BRCA1 DNA repair associated; minus strand). Cytogenetic location: 17q21.31.
Variant type: single nucleotide variant.
Coding change: c.2233G>T on transcript NM_007294.4 (MANE Select); coding-DNA position 2233, G replaced by T.
Protein change: p.Glu745Ter; replaces glutamic acid 745 with a stop codon.
Molecular consequence: nonsense. On other transcripts: intron variant (137).
Genome position (GRCh38, 1-based): chr17:43,093,298, C>A on the plus strand (G>T on the coding strand, the complement: BRCA1 is on the minus strand). VCF-style: chr17-43093298-C-A. GRCh37 (hg19) VCF-style: chr17-41245315-C-A.
Other names: c.2230G>T, p.Glu744Ter (NM_001407633.1, NM_001407634.1, NM_001407635.1 and 22 more transcripts); c.2233G>T, p.Glu745Ter (NM_001407639.1, NM_001407640.1, NM_001407641.1 and 30 more transcripts); c.2224G>T, p.Glu742Ter (NM_001407646.1, NM_001407647.1); c.2110G>T, p.Glu704Ter (NM_001407648.1, NM_001407664.1, NM_001407665.1 and 19 more transcripts); c.2107G>T, p.Glu703Ter (NM_001407649.1, NM_001407670.1, NM_001407671.1 and 11 more transcripts); c.2155G>T, p.Glu719Ter (NM_001407653.1, NM_001407654.1, NM_001407655.1 and 4 more transcripts); c.2152G>T, p.Glu718Ter (NM_001407659.1, NM_001407660.1, NM_001407661.1 and 1 more transcripts); c.2092G>T, p.Glu698Ter (NM_001407692.1, NM_001407694.1, NM_001407695.1 and 29 more transcripts); and 41 more; short protein forms E698*, E745*, E577*, E633*, E656*, E675*, E678*, E742*.
Identifiers: ClinVar variation 1434918 (VCV001434918.7), dbSNP rs2154389241, ClinGen allele CA10597533.
Genomic context (GRCh38, chr17:43,093,298, plus strand): 5'-CTACAGATCTTTCAGTTTGCAAAACCCTTTCTCCACTTAACATGAGATCTTTGGGGTCTT[C>A]AGCATTATTAGACACTTTAACTGTTTCTAGTTTCTCTTCTTTTTCTTCTCTTGGAAGGCT-3'

ClinVar aggregate classification (germline): Pathogenic (1 of 4 stars; one submission).

Conditions:
Hereditary breast ovarian cancer syndrome. Also called: Hereditary breast and ovarian cancer syndrome (HBOC); Breast and ovarian cancer; BRCA1- and BRCA2-Associated Hereditary Breast and Ovarian Cancer; Hereditary breast and/or ovarian cancer syndrome; Hereditary breast and ovarian cancer; Hereditary breast and ovarian cancer syndrome. Identifiers: Orphanet 145, MedGen C0677776, MeSH D061325, MONDO:0003582. Disease mechanism: loss of function.

Submission:

Labcorp Genetics (formerly Invitae), Labcorp
Classification: Pathogenic for Hereditary breast ovarian cancer syndrome. Last evaluated: 2021-08-26. Review status: criteria provided, single submitter. Criteria: Invitae Variant Classification Sherloc (09022015). Collection method: clinical testing. Allele origin: germline.
Comment: For these reasons, this variant has been classified as Pathogenic. This variant has not been reported in the literature in individuals affected with BRCA1-related conditions. This variant is not present in population databases (ExAC no frequency). This sequence change creates a premature translational stop signal (p.Glu745*) in the BRCA1 gene. It is expected to result in an absent or disrupted protein product. Loss-of-function variants in BRCA1 are known to be pathogenic (PMID: 20104584).

Literature cited by the submitters: PubMed 20104584.